The following is an entry in ClinVar:

NC_000002.11:g.(?_127451420)_(129076137_?)del

Genes: AMMECR1L (AMMECR1 like; minus strand), BIN1 (bridging integrator 1; minus strand), CYP27C1 (cytochrome P450 family 27 subfamily C member 1; minus strand), ERCC3 (ERCC excision repair 3, TFIIH core complex helicase subunit; minus strand), GPR17 (G protein-coupled receptor 17; plus strand) and 12 more. Cytogenetic location: 2q14.3.
Variant type: Deletion.
Identifiers: ClinVar variation 2422380 (VCV002422380.4).

ClinVar aggregate classification (germline): Pathogenic (1 of 4 stars; one submission).

Submission:

Labcorp Genetics (formerly Invitae), Labcorp
Classification: Pathogenic. Last evaluated: 2023-07-28. Review status: criteria provided, single submitter. Criteria: Invitae Variant Classification Sherloc (09022015). Collection method: clinical testing. Allele origin: germline.
Comment: For these reasons, this variant has been classified as Pathogenic. This variant has not been reported in the literature in individuals affected with ERCC3-related conditions. A gross deletion of the genomic region encompassing the full coding sequence of the ERCC3 gene has been identified. Loss-of-function variants in ERCC3 are known to be pathogenic (PMID: 16947863). The boundaries of this event are unknown as they extend beyond the assayed region for this gene and therefore may encompass additional genes.

Literature cited by the submitters: PubMed 16947863.